The following is an entry in ClinVar:

ClinVar aggregate classification (germline): Pathogenic (1 of 4 stars; one submission).

Conditions:
Fanconi anemia complementation group J. Also called: BRIP1-Related Fanconi Anemia. Identifiers: Orphanet 84, MedGen C1836860, MONDO:0012187, OMIM 609054.
Familial cancer of breast. Also called: BREAST CANCER, FAMILIAL; hereditary breast carcinoma; Hereditary breast cancer. Identifiers: Orphanet 227535, MedGen C0346153, MONDO:0016419, OMIM 114480. Disease mechanism: loss of function.

Allele frequency attached by ClinVar (database versions not stated): TOPMed below 0.00001.

Submission:

Labcorp Genetics (formerly Invitae), Labcorp
Classification: Pathogenic for Familial cancer of breast; Fanconi anemia complementation group J. Last evaluated: 2022-03-18. Review status: criteria provided, single submitter. Criteria: Invitae Variant Classification Sherloc (09022015). Collection method: clinical testing. Allele origin: germline.
Comment: This sequence change creates a premature translational stop signal (p.Gln889*) in the BRIP1 gene. It is expected to result in an absent or disrupted protein product. Loss-of-function variants in BRIP1 are known to be pathogenic (PMID: 16116423, 17033622, 21964575). This variant is not present in population databases (gnomAD no frequency). This variant has not been reported in the literature in individuals affected with BRIP1-related conditions. For these reasons, this variant has been classified as Pathogenic.

Literature cited by the submitters: PubMed 16116423; PubMed 17033622; PubMed 21964575.

NM_032043.3(BRIP1):c.2665C>T (p.Gln889Ter)

Gene: BRIP1 (BRCA1 interacting DNA helicase 1; minus strand). Cytogenetic location: 17q23.2.
Variant type: single nucleotide variant.
Coding change: c.2665C>T on transcript NM_032043.3 (MANE Select); coding-DNA position 2665, C replaced by T.
Protein change: p.Gln889Ter; replaces glutamine 889 with a stop codon.
Molecular consequence: nonsense.
Genome position (GRCh38, 1-based): chr17:61,686,076, G>A on the plus strand (C>T on the coding strand, the complement: BRIP1 is on the minus strand). VCF-style: chr17-61686076-G-A. GRCh37 (hg19) VCF-style: chr17-59763437-G-A.
Other names: short protein forms Q889*.
Identifiers: ClinVar variation 2113753 (VCV002113753.4), dbSNP rs2061359296, ClinGen allele CA400481827.